The following is an entry in ClinVar:

ClinVar aggregate classification (germline): Uncertain significance (1 of 4 stars; one submission).

Allele frequency attached by ClinVar (database versions not stated): TOPMed below 0.00001; gnomAD exomes 0.00001.
gnomAD v4.1: 14 of 1,587,444 alleles (0.00088%); highest among the groups gnomAD compares: Non-Finnish European, 0.0012%; no homozygotes.

Submission:

Labcorp Genetics (formerly Invitae), Labcorp
Classification: Uncertain significance. Last evaluated: 2022-10-11. Review status: criteria provided, single submitter. Criteria: Invitae Variant Classification Sherloc (09022015). Collection method: clinical testing. Allele origin: germline.
Comment: This sequence change replaces isoleucine, which is neutral and non-polar, with valine, which is neutral and non-polar, at codon 347 of the ERBIN protein (p.Ile347Val). In summary, the available evidence is currently insufficient to determine the role of this variant in disease. Therefore, it has been classified as a Variant of Uncertain Significance. Algorithms developed to predict the effect of missense changes on protein structure and function output the following: SIFT: "Tolerated"; PolyPhen-2: "Benign"; Align-GVGD: "Class C0". The valine amino acid residue is found in multiple mammalian species, which suggests that this missense change does not adversely affect protein function. ClinVar contains an entry for this variant (Variation ID: 1467425). This variant has not been reported in the literature in individuals affected with ERBIN-related conditions. This variant is not present in population databases (gnomAD no frequency).

NM_001253697.2(ERBIN):c.1039A>G (p.Ile347Val)

Gene: ERBIN (erbb2 interacting protein; plus strand). Cytogenetic location: 5q12.3.
Variant type: single nucleotide variant.
Coding change: c.1039A>G on transcript NM_001253697.2 (MANE Select); coding-DNA position 1039, A replaced by G.
Protein change: p.Ile347Val; replaces isoleucine 347 with valine.
Molecular consequence: missense variant.
Genome position (GRCh38, 1-based): chr5:66,026,320, A>G. VCF-style: chr5-66026320-A-G. GRCh37 (hg19) VCF-style: chr5-65322148-A-G.
Other names: c.1039A>G, p.Ile347Val (NM_001006600.3, NM_001253698.2, NM_001253699.2 and 2 more transcripts); short protein forms I347V.
Identifiers: ClinVar variation 1467425 (VCV001467425.8), dbSNP rs1756248564, ClinGen allele CA359975514.